The following is an entry in ClinVar:

ClinVar aggregate classification (germline): Uncertain significance (1 of 4 stars; one submission).

Submission:

Labcorp Genetics (formerly Invitae), Labcorp
Classification: Uncertain significance. Last evaluated: 2023-04-27. Review status: criteria provided, single submitter. Criteria: Invitae Variant Classification Sherloc (09022015). Collection method: clinical testing. Allele origin: germline.
Comment: This variant has not been reported in the literature in individuals affected with HIVEP2-related conditions. In summary, the available evidence is currently insufficient to determine the role of this variant in disease. Therefore, it has been classified as a Variant of Uncertain Significance. Advanced modeling of protein sequence and biophysical properties (such as structural, functional, and spatial information, amino acid conservation, physicochemical variation, residue mobility, and thermodynamic stability) performed at Invitae indicates that this missense variant is not expected to disrupt HIVEP2 protein function. This variant is not present in population databases (gnomAD no frequency). This sequence change replaces alanine, which is neutral and non-polar, with aspartic acid, which is acidic and polar, at codon 830 of the HIVEP2 protein (p.Ala830Asp).

NM_006734.4(HIVEP2):c.2489C>A (p.Ala830Asp)

Gene: HIVEP2 (HIVEP zinc finger 2; minus strand). Cytogenetic location: 6q24.2.
Variant type: single nucleotide variant.
Coding change: c.2489C>A on transcript NM_006734.4 (MANE Select); coding-DNA position 2489, C replaced by A.
Protein change: p.Ala830Asp; replaces alanine 830 with aspartic acid.
Molecular consequence: missense variant.
Genome position (GRCh38, 1-based): chr6:142,772,250, G>T on the plus strand (C>A on the coding strand, the complement: HIVEP2 is on the minus strand). VCF-style: chr6-142772250-G-T. GRCh37 (hg19) VCF-style: chr6-143093387-G-T.
Other names: short protein forms A830D.
Identifiers: ClinVar variation 2859638 (VCV002859638.3), dbSNP rs2482838579, ClinGen allele CA365908940.
Genomic context (GRCh38, chr6:142,772,250, plus strand): 5'-CACTCAGGACTCACTGGGGCTTCTGAAATCTCACTGTCACAAGTCTCTGAAGGGGAAGGG[G>T]CTTTATCCTGTGTGCAAGCCACAAGTTCGGCTGACTCAGACCTTTCAAATGAATTGGGTC-3'
Protein context (NP_006725.3, residues 820-840): AELVACTQDK[Ala830Asp]PSPSETCDSE